The following is an entry in ClinVar:

NM_002691.4(POLD1):c.1470G>T (p.Gln490His)

Gene: POLD1 (DNA polymerase delta 1, catalytic subunit; plus strand). Cytogenetic location: 19q13.33.
Variant type: single nucleotide variant.
Coding change: c.1470G>T on transcript NM_002691.4 (MANE Select); coding-DNA position 1470, G replaced by T.
Protein change: p.Gln490His; replaces glutamine 490 with histidine.
Molecular consequence: missense variant. On other transcripts: non-coding transcript variant (1).
Genome position (GRCh38, 1-based): chr19:50,406,493, G>T. VCF-style: chr19-50406493-G-T. GRCh37 (hg19) VCF-style: chr19-50909750-G-T.
Other names: c.1470G>T, p.Gln490His (NM_001256849.1, NM_001308632.1, NM_001438210.1 and 3 more transcripts); short protein forms Q490H.
Identifiers: ClinVar variation 4668920 (VCV004668920.1).

ClinVar aggregate classification (germline): Uncertain significance (1 of 4 stars; one submission).

Conditions:
Hereditary cancer-predisposing syndrome. Also called: Neoplastic Syndromes, Hereditary; Tumor predisposition; Hereditary Cancer Syndrome; Hereditary neoplastic syndrome. Identifiers: Orphanet 140162, MedGen C0027672, MeSH D009386, MONDO:0015356.

Submission:

Ambry Genetics
Classification: Uncertain significance for Hereditary cancer-predisposing syndrome. Last evaluated: 2025-09-18. Review status: criteria provided, single submitter. Criteria: Ambry Variant Classification Scheme 2023. Collection method: clinical testing. Allele origin: germline.
Comment: The p.Q490H variant (also known as c.1470G>T), located in coding exon 11 of the POLD1 gene, results from a G to T substitution at nucleotide position 1470. The glutamine at codon 490 is replaced by histidine, an amino acid with highly similar properties. This amino acid position is conserved. In addition, this alteration is predicted to be tolerated by in silico analysis. Based on the available evidence, the clinical significance of this variant remains unclear.